The following is an entry in ClinVar:

ClinVar aggregate classification (germline): Uncertain significance (1 of 4 stars; one submission).

Conditions:
Cardiovascular phenotype. Identifiers: MedGen CN230736.

Submission:

Ambry Genetics
Classification: Uncertain significance for Cardiovascular phenotype. Last evaluated: 2026-01-09. Review status: criteria provided, single submitter. Criteria: Ambry Variant Classification Scheme 2023. Collection method: clinical testing. Allele origin: germline.
Comment: The c.873A>G variant (also known as p.P291P), located in coding exon 7 of the VCL gene, results from an A to G substitution at nucleotide position 873. This nucleotide substitution does not change the amino acid at codon 291. This nucleotide position is highly conserved in available vertebrate species. In silico splice site analysis predicts that this alteration will weaken the native splice donor site. Based on the available evidence, the clinical significance of this variant remains unclear.

NM_014000.3(VCL):c.873A>G (p.Pro291=)

Gene: VCL (vinculin; plus strand). Cytogenetic location: 10q22.2.
Variant type: single nucleotide variant.
Coding change: c.873A>G on transcript NM_014000.3 (MANE Select); coding-DNA position 873, A replaced by G.
Protein change: p.Pro291=; no amino-acid change (proline 291 retained).
Molecular consequence: synonymous variant.
Genome position (GRCh38, 1-based): chr10:74,082,543, A>G. VCF-style: chr10-74082543-A-G. GRCh37 (hg19) VCF-style: chr10-75842301-A-G.
Other names: c.873A>G, p.Pro291= (NM_003373.4).
Identifiers: ClinVar variation 2451024 (VCV002451024.3), dbSNP rs2549218339, ClinGen allele CA470171393.
Genomic context (GRCh38, chr10:74,082,543, plus strand): 5'-CTCCATAGACTCCAAACTGAACCAGGCCAAAGGTTGGCTCCGTGACCCTAGTGCCTCCCC[A>G]GGTAACCCTCTAGTTCTGCTTTTCTGATCAATACAACGAGAAGCTAAAAACCAAGCAAAT-3'
Protein context (NP_054706.1, residues 281-301): KGWLRDPSAS[Pro291=]GDAGEQAIRQ